The following is an entry in ClinVar:

ClinVar aggregate classification (germline): Pathogenic. Review status: criteria provided, single submitter (1 of 4 stars). 2 submissions from 2 submitters: Pathogenic (1). 1 of the submissions does not count toward it. Last evaluated 2020-12-24.

Conditions:
Epiphyseal dysplasia, multiple, 2 (EDM2). Also called: COL9A2-Related Multiple Epiphyseal Dysplasia. Identifiers: MedGen C1838429, MONDO:0010844, OMIM 600204.

Submissions (2):

Labcorp Genetics (formerly Invitae), Labcorp
Classification: Pathogenic. Last evaluated: 2020-12-24. Review status: criteria provided, single submitter. Criteria: Invitae Variant Classification Sherloc (09022015). Collection method: clinical testing. Allele origin: germline.
Comment: This variant is not present in population databases (ExAC no frequency). This variant has been observed in individual(s) with autosomal dominant multiple epiphyseal dysplasia (PMID: 12244547). It has also been observed to segregate with disease in related individuals. This sequence change affects codon 62 of the COL9A2 mRNA. It is a 'silent' change, meaning that it does not change the encoded amino acid sequence of the COL9A2 protein. It affects a nucleotide within the consensus splice site of the intron. For these reasons, this variant has been classified as Pathogenic. Algorithms developed to predict the effect of sequence changes on RNA splicing suggest that this variant may disrupt the consensus splice site, but this prediction has not been confirmed by published transcriptional studies.

OMIM
Classification: Pathogenic for EPIPHYSEAL DYSPLASIA, MULTIPLE, 2. Last evaluated: 2002-10-01. Review status: no assertion criteria provided. Collection method: literature only. Allele origin: germline. Not counted in ClinVar's aggregate classification.

Literature cited by the submitters: PubMed 12244547 (cited by Labcorp Genetics (formerly Invitae), Labcorp and OMIM).

NM_001852.4(COL9A2):c.186G>C (p.Pro62=)

Gene: COL9A2 (collagen type IX alpha 2 chain; minus strand). Cytogenetic location: 1p34.2.
Variant type: single nucleotide variant.
Coding change: c.186G>C on transcript NM_001852.4 (MANE Select); coding-DNA position 186, G replaced by C.
Protein change: p.Pro62=; no amino-acid change (proline 62 retained).
Molecular consequence: synonymous variant.
Genome position (GRCh38, 1-based): chr1:40,314,352, C>G on the plus strand (G>C on the coding strand, the complement: COL9A2 is on the minus strand). VCF-style: chr1-40314352-C-G. GRCh37 (hg19) VCF-style: chr1-40780024-C-G.
Other names: IVS3DS, G-C, -1.
Identifiers: ClinVar variation 17146 (VCV000017146.9), dbSNP rs1085307973, ClinGen allele CA417331246.
Genomic context (GRCh38, chr1:40,314,352, plus strand): 5'-ATGAGCCAGAGGAGGGCAAGAGCAGGAAGGGTCAAAGGCCAAAGAGGATAAAGCACTCAC[C>G]GGAGGGCCAGCTTTTCCAGGGGGCCCATTGTCACCCTGCAAGATACAAGTTGGTGAGACA-3'
Protein context (NP_001843.1, residues 52-72): DNGPPGKAGP[Pro62=]GPKGEPGKAG